The following is an entry in ClinVar:

NM_004360.5(CDH1):c.455A>G (p.Gln152Arg)

Gene: CDH1 (cadherin 1; plus strand). Cytogenetic location: 16q22.1.
Variant type: single nucleotide variant.
Coding change: c.455A>G on transcript NM_004360.5 (MANE Select); coding-DNA position 455, A replaced by G.
Protein change: p.Gln152Arg; replaces glutamine 152 with arginine.
Molecular consequence: missense variant. On other transcripts: 5 prime UTR variant (2).
Genome position (GRCh38, 1-based): chr16:68,808,491, A>G. VCF-style: chr16-68808491-A-G. GRCh37 (hg19) VCF-style: chr16-68842394-A-G.
Other names: c.455A>G, p.Gln152Arg (NM_001317184.2); c.-1161A>G (NM_001317185.2); c.-1365A>G (NM_001317186.2); c.455A>G (NM_004360.3); short protein forms Q152R.
Identifiers: ClinVar variation 925797 (VCV000925797.11), dbSNP rs1233421331, ClinGen allele CA396457651.

ClinVar aggregate classification (germline): Conflicting classifications of pathogenicity. Review status: criteria provided, conflicting classifications (1 of 4 stars). 4 submissions from 4 submitters: Uncertain significance (3); Likely benign (1). Last evaluated 2026-07-02.

Conditions:
Hereditary cancer-predisposing syndrome. Also called: Neoplastic Syndromes, Hereditary; Hereditary Cancer Syndrome; Tumor predisposition; Hereditary neoplastic syndrome. Identifiers: Orphanet 140162, MedGen C0027672, MeSH D009386, MONDO:0015356.
Hereditary diffuse gastric adenocarcinoma (HDGC). Also called: DIFFUSE GASTRIC AND LOBULAR BREAST CANCER SYNDROME. Identifiers: Orphanet 26106, MedGen C1708349, MONDO:0007648, OMIM 137215.

Allele frequency attached by ClinVar (database versions not stated): gnomAD exomes below 0.00001; TOPMed below 0.00001.
gnomAD v4.1: 3 of 1,614,190 alleles (0.00019%); highest among the groups gnomAD compares: Non-Finnish European, 0.00025%; no homozygotes.

Submissions (4):

Ambry Genetics
Classification: Likely benign for Hereditary cancer-predisposing syndrome. Last evaluated: 2026-07-02. Review status: criteria provided, single submitter. Criteria: Ambry Variant Classification Scheme 2023. Collection method: clinical testing. Allele origin: germline.

Center for Genomic Medicine, Rigshospitalet, Copenhagen University Hospital
Classification: Uncertain significance. Last evaluated: 2025-03-04. Review status: criteria provided, single submitter. Criteria: ACMG Guidelines, 2015. Collection method: clinical testing. Allele origin: germline.

Labcorp Genetics (formerly Invitae), Labcorp
Classification: Uncertain significance for Hereditary diffuse gastric adenocarcinoma. Last evaluated: 2021-10-31. Review status: criteria provided, single submitter. Criteria: Invitae Variant Classification Sherloc (09022015). Collection method: clinical testing. Allele origin: germline.
Comment: In summary, the available evidence is currently insufficient to determine the role of this variant in disease. Therefore, it has been classified as a Variant of Uncertain Significance. Algorithms developed to predict the effect of missense changes on protein structure and function output the following: SIFT: "Tolerated"; PolyPhen-2: "Possibly Damaging"; Align-GVGD: "Class C0". The arginine amino acid residue is found in multiple mammalian species, which suggests that this missense change does not adversely affect protein function. ClinVar contains an entry for this variant (Variation ID: 925797). This variant has not been reported in the literature in individuals affected with CDH1-related conditions. This variant is not present in population databases (gnomAD no frequency). This sequence change replaces glutamine, which is neutral and polar, with arginine, which is basic and polar, at codon 152 of the CDH1 protein (p.Gln152Arg).

Color Diagnostics, LLC DBA Color Health
Classification: Uncertain significance for Hereditary cancer-predisposing syndrome. Last evaluated: 2019-01-29. Review status: criteria provided, single submitter. Criteria: ACMG Guidelines, 2015. Collection method: clinical testing. Allele origin: germline.